The following is an entry in ClinVar:

NM_024596.5(MCPH1):c.670+31G>A

Gene: MCPH1 (microcephalin 1; plus strand). Cytogenetic location: 8p23.1.
Variant type: single nucleotide variant.
Coding change: c.670+31G>A on transcript NM_024596.5 (MANE Select); 31 bases into the intron after coding-DNA position 670, G replaced by A.
Molecular consequence: intron variant.
Genome position (GRCh38, 1-based): chr8:6,442,187, G>A. VCF-style: chr8-6442187-G-A. GRCh37 (hg19) VCF-style: chr8-6299708-G-A.
Other names: c.670+31G>A (NM_001322042.2, NM_001363980.2, NM_001363979.1 and 1 more transcripts); c.526+31G>A (NM_001172575.2); c.664+31G>A (NM_001322043.2); c.568+31G>A (NM_001322045.2).
Identifiers: ClinVar variation 158874 (VCV000158874.7), dbSNP rs2922827, ClinGen allele CA172543.

ClinVar aggregate classification (germline): Benign. Review status: criteria provided, single submitter (1 of 4 stars). 2 submissions from 2 submitters: Benign (1). 1 of the submissions does not count toward it.

Allele frequency attached by ClinVar (database versions not stated): ESP Exome Variant Server 0.01400; TOPMed 0.01583; 1000 Genomes Project 0.01817; 1000 Genomes Project 30x 0.01983.
gnomAD v4.1: 4,070 of 1,390,922 alleles (0.29%); highest among the groups gnomAD compares: African/African-American, 4.8%; 90 homozygotes.

Submissions (2):

Breakthrough Genomics
Classification: Benign. Review status: criteria provided, single submitter. Criteria: ACMG Guidelines, 2015. Collection method: not provided. Allele origin: germline. Inheritance: Autosomal recessive inheritance. Affected: yes.

Genetic Services Laboratory, University of Chicago
Classification: Likely benign. Review status: no assertion criteria provided. Collection method: clinical testing. Allele origin: germline. Inheritance: Autosomal recessive inheritance. Not counted in ClinVar's aggregate classification.
Comment: Likely benign based on allele frequency in 1000 Genomes Project or ESP global frequency and its presence in a patient with a rare or unrelated disease phenotype. NOT Sanger confirmed